The following is an entry in ClinVar:

NM_007294.4(BRCA1):c.2142T>C (p.Asn714=)

Gene: BRCA1 (BRCA1 DNA repair associated; minus strand). Cytogenetic location: 17q21.31.
Variant type: single nucleotide variant.
Coding change: c.2142T>C on transcript NM_007294.4 (MANE Select); coding-DNA position 2142, T replaced by C.
Protein change: p.Asn714=; no amino-acid change (asparagine 714 retained).
Molecular consequence: synonymous variant. On other transcripts: intron variant (137).
Genome position (GRCh38, 1-based): chr17:43,093,389, A>G on the plus strand (T>C on the coding strand, the complement: BRCA1 is on the minus strand). VCF-style: chr17-43093389-A-G. GRCh37 (hg19) VCF-style: chr17-41245406-A-G.
Other names: c.1932T>C, p.Asn644= (NM_001407908.1, NM_001407909.1, NM_001407910.1 and 13 more transcripts); c.1806T>C, p.Asn602= (NM_001407958.1, NM_001407955.1, NM_001407956.1 and 1 more transcripts); c.1998T>C, p.Asn666= (NM_001407848.1, NM_001407849.1, NM_001407964.1 and 20 more transcripts); c.1761T>C, p.Asn587= (NM_001407959.1, NM_001407960.1, NM_001407963.1); c.2001T>C, p.Asn667= (NM_001407850.1, NM_001407851.1, NM_001407852.1 and 29 more transcripts); c.1758T>C, p.Asn586= (NM_001407962.1); c.1254T>C, p.Asn418= (NM_001407967.1, NM_001407966.1); c.2142T>C, p.Asn714= (NM_001407859.1, NM_001407854.1, NM_001407858.1 and 30 more transcripts); and 41 more.
Identifiers: ClinVar variation 385935 (VCV000385935.3), dbSNP rs1057522371, ClinGen allele CA16608449.

ClinVar aggregate classification (germline): Likely benign. Review status: criteria provided, multiple submitters, no conflicts (2 of 4 stars). 2 submissions from 2 submitters: Likely benign (2). Last evaluated 2025-09-04.

Conditions:
Hereditary cancer-predisposing syndrome. Also called: Hereditary Cancer Syndrome; Hereditary neoplastic syndrome; Neoplastic Syndromes, Hereditary; Tumor predisposition. Identifiers: Orphanet 140162, MedGen C0027672, MeSH D009386, MONDO:0015356.

Submissions (2):

Ambry Genetics
Classification: Likely benign for Hereditary cancer-predisposing syndrome. Last evaluated: 2025-09-04. Review status: criteria provided, single submitter. Criteria: Ambry Variant Classification Scheme 2023. Collection method: clinical testing. Allele origin: germline.

GeneDx
Classification: Likely benign. Last evaluated: 2016-04-29. Review status: criteria provided, single submitter. Criteria: GeneDx Variant Classification (06012015). Collection method: clinical testing. Allele origin: germline. Affected: yes.
Comment: This variant is considered likely benign or benign based on one or more of the following criteria: it is a conservative change, it occurs at a poorly conserved position in the protein, it is predicted to be benign by multiple in silico algorithms, and/or has population frequency not consistent with disease.